The following is an entry in ClinVar:

ClinVar aggregate classification (germline): Uncertain significance. Review status: criteria provided, multiple submitters, no conflicts (2 of 4 stars). 2 submissions from 2 submitters: Uncertain significance (2). Last evaluated 2024-07-13.

Conditions:
Hereditary pancreatitis (PCTT). Also called: PRSS1-Related Hereditary Pancreatitis; Hereditary chronic pancreatitis. Identifiers: Orphanet 676, MedGen C0238339, MONDO:0008185, OMIM 167800.

Submissions (2):

Labcorp Genetics (formerly Invitae), Labcorp
Classification: Uncertain significance for Hereditary pancreatitis. Last evaluated: 2024-07-13. Review status: criteria provided, single submitter. Criteria: Invitae Variant Classification Sherloc (09022015). Collection method: clinical testing. Allele origin: germline.
Comment: This sequence change replaces threonine, which is neutral and polar, with proline, which is neutral and non-polar, at codon 137 of the PRSS1 protein (p.Thr137Pro). This variant is not present in population databases (gnomAD no frequency). This variant has not been reported in the literature in individuals affected with PRSS1-related conditions. Advanced modeling of protein sequence and biophysical properties (such as structural, functional, and spatial information, amino acid conservation, physicochemical variation, residue mobility, and thermodynamic stability) performed at Invitae indicates that this missense variant is expected to disrupt PRSS1 protein function with a positive predictive value of 80%. In summary, the available evidence is currently insufficient to determine the role of this variant in disease. Therefore, it has been classified as a Variant of Uncertain Significance.

Mayo Clinic Laboratories, Mayo Clinic
Classification: Uncertain significance. Last evaluated: 2024-06-25. Review status: criteria provided, single submitter. Criteria: ACMG Guidelines, 2015. Collection method: clinical testing. Allele origin: germline. Observed: 1 variant allele.
Comment: PM2

NM_002769.5(PRSS1):c.409A>C (p.Thr137Pro)

Genes: TRB (T cell receptor beta locus; plus strand), PRSS1 (serine protease 1; plus strand). Cytogenetic location: 7q34.
Variant type: single nucleotide variant.
Coding change: c.409A>C on transcript NM_002769.5 (MANE Select); coding-DNA position 409, A replaced by C.
Protein change: p.Thr137Pro; replaces threonine 137 with proline.
Molecular consequence: missense variant. On other transcripts: non-coding transcript variant (5).
Genome position (GRCh38, 1-based): chr7:142,751,982, A>C. VCF-style: chr7-142751982-A-C. GRCh37 (hg19) VCF-style: chr7-142459833-A-C.
Other names: p.Thr137Pro; short protein forms T137P.
Identifiers: ClinVar variation 3379796 (VCV003379796.3).